The following is an entry in ClinVar:

NM_001008537.3(NEXMIF):c.1118G>T (p.Trp373Leu)

Gene: NEXMIF (neurite extension and migration factor; minus strand). Cytogenetic location: Xq13.3.
Variant type: single nucleotide variant.
Coding change: c.1118G>T on transcript NM_001008537.3 (MANE Select); coding-DNA position 1118, G replaced by T.
Protein change: p.Trp373Leu; replaces tryptophan 373 with leucine.
Molecular consequence: missense variant.
Genome position (GRCh38, 1-based): chrX:74,743,439, C>A on the plus strand (G>T on the coding strand, the complement: NEXMIF is on the minus strand). VCF-style: chrX-74743439-C-A. GRCh37 (hg19) VCF-style: chrX-73963274-C-A.
Other names: short protein forms W373L.
Identifiers: ClinVar variation 3622470 (VCV003622470.2).
Genomic context (GRCh38, chrX:74,743,439, plus strand): 5'-TTGTCTTCCTGTCCTTCCTCTTTGCCTTTCTTCTTGTCCAAGTTTTTATCTTCCTCCCCC[C>A]AGATGATGCTCACATCAGGGACCTTGAATTGGGAAAAATCACTGCTCTGCTTCAGGGCCC-3'
Protein context (NP_001008537.1, residues 363-383): QFKVPDVSII[Trp373Leu]GEEDKNLDKK

ClinVar aggregate classification (germline): Uncertain significance (1 of 4 stars; one submission).

gnomAD v4.1: 1 of 1,211,553 alleles (0.000083%); no homozygotes.

Submission:

Labcorp Genetics (formerly Invitae), Labcorp
Classification: Uncertain significance. Last evaluated: 2025-10-07. Review status: criteria provided, single submitter. Criteria: Invitae Variant Classification Sherloc (09022015). Collection method: clinical testing. Allele origin: germline.
Comment: This sequence change replaces tryptophan, which is neutral and slightly polar, with leucine, which is neutral and non-polar, at codon 373 of the NEXMIF protein (p.Trp373Leu). This variant is not present in population databases (gnomAD no frequency). This variant has not been reported in the literature in individuals affected with NEXMIF-related conditions. ClinVar contains an entry for this variant (Variation ID: 3622470). An algorithm developed to predict the effect of missense changes on protein structure and function (PolyPhen-2) suggests that this variant is likely to be disruptive. In summary, the available evidence is currently insufficient to determine the role of this variant in disease. Therefore, it has been classified as a Variant of Uncertain Significance.